The following is an entry in ClinVar:

ClinVar aggregate classification (germline): Likely benign. Review status: reviewed by expert panel (3 of 4 stars). 2 submissions from 2 submitters: Likely benign (1). 1 of the submissions does not count toward it. Last evaluated 2024-09-18.

Conditions:
Hereditary thrombocytopenia and hematological cancer predisposition syndrome associated with RUNX1. Also called: Familial Platelet Disorder with Propensity to Acute Myelogenous Leukemia; Familial thrombocytopenia with propensity to acute myelogenous leukemia; PLATELET DISORDER, ASPIRIN-LIKE; RUNX1 Familial Platelet Disorder with Associated Myeloid Malignancies. Identifiers: Orphanet 71290, MedGen C1832388, MeSH C563324, MONDO:0100083, OMIM 601399.
Hereditary thrombocytopenia and hematologic cancer predisposition syndrome. Identifiers: Orphanet 71290, MedGen CN281654, MONDO:0011071.

Submissions (2):

ClinGen Myeloid Malignancy Variant Curation Expert Panel
Classification: Likely benign for Hereditary thrombocytopenia and hematologic cancer predisposition syndrome. Last evaluated: 2024-09-18. Review status: reviewed by expert panel. Criteria: ClinGen MyeloMalig ACMG Specifications v2. Collection method: curation. Allele origin: germline. Inheritance: Autosomal dominant inheritance.
Comment: NM_001754.5(RUNX1):c.894A>G (p.Pro298=) is a synonymous variant which has a SpliceAI score ≤ 0.20 (0.01) (BP4). This variant has a SpliceAI score ≤ 0.20 (0.01) and evolutionary conservation algorithms predict the site as being not conserved (PhyloP score ≤ 2.0 (-1.70) (BP7). This variant is completely absent from all population databases with at least 20x coverage for RUNX1 (PM2_Supporting). In summary, this variant meets criteria to be classified as likely benign. ACMG/AMP criteria applied, as specified by the Myeloid Malignancy Variant Curation Expert Panel for RUNX1: BP4, BP7, PM2_supporting.

Labcorp Genetics (formerly Invitae), Labcorp
Classification: Likely benign for Hereditary thrombocytopenia and hematological cancer predisposition syndrome associated with RUNX1. Last evaluated: 2023-07-06. Review status: criteria provided, single submitter. Criteria: Invitae Variant Classification Sherloc (09022015). Collection method: clinical testing. Allele origin: germline. Not counted in ClinVar's aggregate classification.

NM_001754.5(RUNX1):c.894A>G (p.Pro298=)

Gene: RUNX1 (RUNX family transcription factor 1; minus strand). Cytogenetic location: 21q22.12.
Variant type: single nucleotide variant.
Coding change: c.894A>G on transcript NM_001754.5 (MANE Select); coding-DNA position 894, A replaced by G.
Protein change: p.Pro298=; no amino-acid change (proline 298 retained).
Molecular consequence: synonymous variant.
Genome position (GRCh38, 1-based): chr21:34,799,374, T>C on the plus strand (A>G on the coding strand, the complement: RUNX1 is on the minus strand). VCF-style: chr21-34799374-T-C. GRCh37 (hg19) VCF-style: chr21-36171671-T-C.
Other names: NM_001754.5(RUNX1):c.894A>G; p.Pro298=; c.813A>G, p.Pro271= (NM_001001890.3).
Identifiers: ClinVar variation 2736408 (VCV002736408.4), dbSNP rs2516862143, ClinGen allele CA512232232.